The following is an entry in ClinVar:

NM_003611.3(OFD1):c.2928+1G>T

Gene: OFD1 (OFD1 centriole and centriolar satellite protein; plus strand). Cytogenetic location: Xp22.2.
Variant type: single nucleotide variant.
Coding change: c.2928+1G>T on transcript NM_003611.3 (MANE Select); the canonical splice donor site of the intron after coding-DNA position 2928, G replaced by T.
Molecular consequence: splice donor variant.
Genome position (GRCh38, 1-based): chrX:13,768,225, G>T. VCF-style: chrX-13768225-G-T. GRCh37 (hg19) VCF-style: chrX-13786344-G-T.
Other names: NC_000023.10:g.13786344G>T; c.2508+1G>T (NM_001330210.2); c.2808+1G>T (NM_001330209.2).
Identifiers: ClinVar variation 1306579 (VCV001306579.3), dbSNP rs1190659995, ClinGen allele CA412314128.

ClinVar aggregate classification (germline): Uncertain significance (1 of 4 stars; one submission).

Allele frequency attached by ClinVar (database versions not stated): gnomAD exomes 0.00001.

Submissions (2):

GeneDx
Classification: Uncertain significance. Last evaluated: 2019-06-14. Review status: criteria provided, single submitter. Criteria: GeneDx Variant Classification Process June 2021. Collection method: clinical testing. Allele origin: germline. Affected: yes.
Comment: Canonical splice site variant predicted to result in an in-frame deletion of exon 21; Deletions involving coding exons in this gene are frequently reported as pathogenic, regardless of frame prediction (Stenson et al., 2014); Has not been previously published as pathogenic or benign to our knowledge

Dr. Peter K. Rogan Lab, Western University
No classification provided (evidence only). Condition: Nonpapillary renal cell carcinoma. Review status: no classification provided. Collection method: in vitro. Allele origin: not applicable. Functional consequence: retained intron. Not counted in ClinVar's aggregate classification.